The following is an entry in ClinVar:

ClinVar aggregate classification (germline): Uncertain significance (1 of 4 stars; one submission).

Conditions:
Hereditary cancer-predisposing syndrome. Also called: Hereditary Cancer Syndrome; Hereditary neoplastic syndrome; Neoplastic Syndromes, Hereditary; Tumor predisposition. Identifiers: Orphanet 140162, MedGen C0027672, MeSH D009386, MONDO:0015356.

Submission:

Ambry Genetics
Classification: Uncertain significance for Hereditary cancer-predisposing syndrome. Last evaluated: 2025-08-22. Review status: criteria provided, single submitter. Criteria: Ambry Variant Classification Scheme 2023. Collection method: clinical testing. Allele origin: germline.
Comment: The p.A14D variant (also known as c.41C>A), located in coding exon 1 of the EPCAM gene, results from a C to A substitution at nucleotide position 41. The alanine at codon 14 is replaced by aspartic acid, an amino acid with dissimilar properties. This amino acid position is conserved. In addition, the in silico prediction for this alteration is inconclusive. Based on the available evidence, the clinical significance of this variant remains unclear.

NM_002354.3(EPCAM):c.41C>A (p.Ala14Asp)

Gene: EPCAM (epithelial cell adhesion molecule; plus strand). Cytogenetic location: 2p21.
Variant type: single nucleotide variant.
Coding change: c.41C>A on transcript NM_002354.3 (MANE Select); coding-DNA position 41, C replaced by A.
Protein change: p.Ala14Asp; replaces alanine 14 with aspartic acid.
Molecular consequence: missense variant.
Genome position (GRCh38, 1-based): chr2:47,369,546, C>A. VCF-style: chr2-47369546-C-A. GRCh37 (hg19) VCF-style: chr2-47596685-C-A.
Other names: short protein forms A14D.
Identifiers: ClinVar variation 4249692 (VCV004249692.1).